The following is an entry in ClinVar:

ClinVar aggregate classification (germline): Uncertain significance (1 of 4 stars; one submission).

Allele frequency attached by ClinVar (database versions not stated): gnomAD exomes below 0.00001.
gnomAD v4.1: 2 of 1,613,224 alleles (0.00012%); highest among the groups gnomAD compares: Non-Finnish European, 0.00017%; no homozygotes.

Submission:

Labcorp Genetics (formerly Invitae), Labcorp
Classification: Uncertain significance. Last evaluated: 2021-03-21. Review status: criteria provided, single submitter. Criteria: Invitae Variant Classification Sherloc (09022015). Collection method: clinical testing. Allele origin: germline.
Comment: This variant is not present in population databases (ExAC no frequency). This sequence change replaces phenylalanine with leucine at codon 442 of the ARMC9 protein (p.Phe442Leu). The phenylalanine residue is moderately conserved and there is a small physicochemical difference between phenylalanine and leucine. This variant has not been reported in the literature in individuals with ARMC9-related conditions. In summary, the available evidence is currently insufficient to determine the role of this variant in disease. Therefore, it has been classified as a Variant of Uncertain Significance. Experimental studies and prediction algorithms are not available or were not evaluated, and the functional significance of this variant is currently unknown.

NM_001352754.2(ARMC9):c.1326C>G (p.Phe442Leu)

Gene: ARMC9 (armadillo repeat containing 9; plus strand). Cytogenetic location: 2q37.1.
Variant type: single nucleotide variant.
Coding change: c.1326C>G on transcript NM_001352754.2 (MANE Select); coding-DNA position 1326, C replaced by G.
Protein change: p.Phe442Leu; replaces phenylalanine 442 with leucine.
Molecular consequence: missense variant. On other transcripts: non-coding transcript variant (1).
Genome position (GRCh38, 1-based): chr2:231,273,070, C>G. VCF-style: chr2-231273070-C-G. GRCh37 (hg19) VCF-style: chr2-232137783-C-G.
Other names: c.1326C>G, p.Phe442Leu (NM_001271466.4, NM_001291656.2, NM_001352755.2 and 3 more transcripts); c.1227C>G, p.Phe409Leu (NM_001352757.2, NM_001352758.2); short protein forms F442L, F409L.
Identifiers: ClinVar variation 1517991 (VCV001517991.6), dbSNP rs2125437074, ClinGen allele CA350954221.